The following continues an entry in ClinVar:

NM_000540.3(RYR1):c.2275A>G (p.Asn759Asp)

Gene: RYR1. ClinVar aggregate classification (germline): Conflicting classifications of pathogenicity. Pathogenic (1); Likely pathogenic (1); Uncertain significance (16).

Submissions 11 to 21 of 21:

Mayo Clinic Laboratories, Mayo Clinic
Classification: Uncertain significance. Last evaluated: 2023-06-01. Review status: criteria provided, single submitter. Criteria: ACMG Guidelines, 2015. Collection method: clinical testing. Allele origin: germline. Observed: 1 variant allele.
Comment: PP3

Ambry Genetics
Classification: Uncertain significance for Inborn genetic diseases. Last evaluated: 2022-08-29. Review status: criteria provided, single submitter. Criteria: Ambry Variant Classification Scheme 2023. Collection method: clinical testing. Allele origin: germline.
Comment: The c.2275A>G (p.N759D) alteration is located in exon 19 (coding exon 19) of the RYR1 gene. This alteration results from an A to G substitution at nucleotide position 2275, causing the asparagine (N) at amino acid position 759 to be replaced by an aspartic acid (D). Based on data from gnomAD, the G allele has an overall frequency of 0.01% (38/282814) total alleles studied. This alteration was detected in a compound heterozygous state with the RYR1 c.14422_14424delTTC (p.F4808del) alteration in an individual with central core disease. Clinical features included no motor ability, weakness, contractures, respiratory distress, and feeding difficulties (Amburgey, 2013; Bharucha-Goebel, 2013). This amino acid position is highly conserved in available vertebrate species. This alteration is predicted to be tolerated by in silico analysis. Based on insufficient or conflicting evidence, the clinical significance of this alteration remains unclear.

CeGaT Center for Human Genetics Tuebingen
Classification: Uncertain significance. Last evaluated: 2022-03-01. Review status: criteria provided, single submitter. Criteria: CeGaT Center For Human Genetics Tuebingen Variant Classification Criteria Version 2. Collection method: clinical testing. Allele origin: germline. Affected: yes. Observed: 1 variant allele.

Fulgent Genetics
Classification: Uncertain significance for Central core myopathy; Malignant hyperthermia, susceptibility to, 1; Congenital myopathy 4A, autosomal dominant; Congenital multicore myopathy with external ophthalmoplegia; King Denborough syndrome. Last evaluated: 2021-08-10. Review status: criteria provided, single submitter. Criteria: ACMG Guidelines, 2015. Collection method: clinical testing. Allele origin: unknown.

Genetics and Molecular Pathology, SA Pathology
Classification: Uncertain significance for Malignant hyperthermia, susceptibility to, 1. Last evaluated: 2021-07-02. Review status: criteria provided, single submitter. Criteria: ACMG Guidelines, 2015. Collection method: clinical testing. Allele origin: germline. Inheritance: Autosomal dominant inheritance. Affected: yes.

Laboratory for Molecular Medicine, Mass General Brigham Personalized Medicine
Classification: Uncertain significance. Last evaluated: 2016-03-31. Review status: criteria provided, single submitter. Criteria: LMM Criteria. Collection method: clinical testing. Allele origin: germline.
Comment: Variant identified in a genome or exome case(s) and assessed due to predicted null impact of the variant or pathogenic assertions in the literature or databases. Disclaimer: This variant has not undergone full assessment. The following are preliminary notes: Limited reports in probands, reported in unaffected individuals; ExAC: 16/66720 European; ClinVar: 2 VUS

Eurofins Ntd Llc (ga)
Classification: Uncertain significance. Last evaluated: 2014-01-06. Review status: criteria provided, single submitter. Criteria: EGL Classification Definitions 2015. Collection method: clinical testing. Allele origin: germline. Observed: 1 variant allele, 1 heterozygote.

Biesecker Lab/Clinical Genomics Section, National Institutes of Health
Classification: Uncertain significance for Malignant hyperthermia, susceptibility to, 1. Last evaluated: 2013-07-01. Review status: criteria provided, single submitter. Criteria: Gonsalves et al. 2013. Collection method: research. Allele origin: unknown. Observed: 1 variant allele. Study: ClinSeq.
Comment: The study set was not selected for affection status in relation to any myopathy. Pathogenicity categories were based on literature curation. See Pubmed ID: 24195946 for details.

CSER _CC_NCGL, University of Washington
Classification: Uncertain significance for Myopathy, RYR1-associated. Last evaluated: 2014-06-01. Review status: no assertion criteria provided. Collection method: research. Allele origin: germline. Inheritance: Autosomal dominant inheritance. Study: ESP 6500 variant annotation. Not counted in ClinVar's aggregate classification.
Comment: Variants classified for the Actionable exomic incidental findings in 6503 participants: challenges of variant classification manuscript

Clinical Genetics DNA and cytogenetics Diagnostics Lab, Erasmus MC, Erasmus Medical Center
Classification: Uncertain significance. Review status: no assertion criteria provided. Collection method: clinical testing. Allele origin: germline. Affected: yes. Study: VKGL Data-share Consensus. Not counted in ClinVar's aggregate classification.

Laboratory of Diagnostic Genome Analysis, Leiden University Medical Center (LUMC)
Classification: Uncertain significance. Review status: no assertion criteria provided. Collection method: clinical testing. Allele origin: germline. Affected: yes. Study: VKGL Data-share Consensus. Not counted in ClinVar's aggregate classification.

Literature cited by the submitters: PubMed 23553484 (cited by 6 submitters); PubMed 37937776 (cited by Labcorp Genetics (formerly Invitae), Labcorp); PubMed 23919265 (cited by Dasa and Ambry Genetics); PubMed 26332594 (cited by Dasa and Mayo Clinic Laboratories, Mayo Clinic); PubMed 25637381 (cited by Mayo Clinic Laboratories, Mayo Clinic).